The following is an entry in ClinVar:

NM_014974.3(DIP2C):c.2268+1G>A

Gene: DIP2C (DIP2 acetate--CoA ligase C (putative); minus strand). Cytogenetic location: 10p15.3.
Variant type: single nucleotide variant.
Coding change: c.2268+1G>A on transcript NM_014974.3 (MANE Select); the canonical splice donor site of the intron after coding-DNA position 2268, G replaced by A.
Molecular consequence: splice donor variant.
Genome position (GRCh38, 1-based): chr10:366,274, C>T on the plus strand (G>A on the coding strand, the complement: DIP2C is on the minus strand). VCF-style: chr10-366274-C-T. GRCh37 (hg19) VCF-style: chr10-412214-C-T.
Identifiers: ClinVar variation 4856308 (VCV004856308.1).
Genomic context (GRCh38, chr10:366,274, plus strand): 5'-CAAGGGCTCTTTGGAGACGGAGCCACAGATGGTGCCCATGGTAAGACTCTCCTCCACCTA[C>T]CTCAAAGGTGTTCTTGGTCATGCCAGAGAGGCCATAGTAGGACGTGCCCGTCGCAACTGC-3'

ClinVar aggregate classification (germline): Likely pathogenic (1 of 4 stars; one submission).

Conditions:
DIP2C-related disorder. Also called: DIP2C-related condition.

Submission:

3billion
Classification: Likely pathogenic for DIP2C-related disorder. Last evaluated: 2026-01-25. Review status: criteria provided, single submitter. Criteria: ACMG Guidelines, 2015. Collection method: clinical testing. Allele origin: germline. Affected: yes.
Comment: The variant is not observed in the gnomAD v4.1.0 dataset. Predicted Consequence/Location: Canonical splice site: predicted to alter splicing and result in a loss or disruption of normal protein function. Multipleloss-of-function variants are reported downstream of the variant (PMID: 38421105). In silico tools predict the variant to alter splicing and produce an abnormal transcript [SpliceAI: 0.99 (spliceogenicity >=0.2, non-spliceogenicity <0.1)]. Therefore, this variant is classified as Likely pathogenic according to the recommendation of ACMG/AMP guideline.